The following is an entry in ClinVar:

NM_002764.4(PRPS1):c.925G>A (p.Val309Ile)

Gene: PRPS1 (phosphoribosyl pyrophosphate synthetase 1; plus strand). Cytogenetic location: Xq22.3.
Variant type: single nucleotide variant.
Coding change: c.925G>A on transcript NM_002764.4 (MANE Select); coding-DNA position 925, G replaced by A.
Protein change: p.Val309Ile; replaces valine 309 with isoleucine.
Molecular consequence: missense variant.
Genome position (GRCh38, 1-based): chrX:107,650,000, G>A. VCF-style: chrX-107650000-G-A. GRCh37 (hg19) VCF-style: chrX-106893230-G-A.
Other names: c.313G>A, p.Val105Ile (NM_001204402.2); short protein forms V105I, V309I.
Identifiers: ClinVar variation 1719523 (VCV001719523.6), dbSNP rs587781263, ClinGen allele CA413816587.
Genomic context (GRCh38, chrX:107,650,000, plus strand): 5'-GTGATTGACATCTCTATGATCCTTGCAGAAGCCATCAGGAGAACTCACAATGGAGAATCC[G>A]TTTCTTACCTATTCAGCCATGTCCCTTTATAATAGAGTAACTTCTGAGGCTTTTTGAGAA-3'
Protein context (NP_002755.1, residues 299-318): AIRRTHNGES[Val309Ile]SYLFSHVPL

ClinVar aggregate classification (germline): Uncertain significance. Review status: criteria provided, multiple submitters, no conflicts (2 of 4 stars). 2 submissions from 2 submitters: Uncertain significance (2). Last evaluated 2024-01-24.

Conditions:
Nephrolithiasis/nephrocalcinosis. Identifiers: MedGen CN580796.
Charcot-Marie-Tooth Neuropathy X. Identifiers: MedGen CN118851.

Allele frequency attached by ClinVar (database versions not stated): gnomAD exomes below 0.00001.
gnomAD v4.1: 2 of 1,211,804 alleles (0.00017%); highest among the groups gnomAD compares: South Asian, 0.0018%; no homozygotes.

Submissions (2):

Ambry Genetics
Classification: Uncertain significance for Nephrolithiasis/nephrocalcinosis. Last evaluated: 2024-01-24. Review status: criteria provided, single submitter. Criteria: Ambry Variant Classification Scheme 2023. Collection method: clinical testing. Allele origin: germline.

Labcorp Genetics (formerly Invitae), Labcorp
Classification: Uncertain significance for Charcot-Marie-Tooth Neuropathy X. Last evaluated: 2022-09-15. Review status: criteria provided, single submitter. Criteria: Invitae Variant Classification Sherloc (09022015). Collection method: clinical testing. Allele origin: germline.
Comment: Advanced modeling of protein sequence and biophysical properties (such as structural, functional, and spatial information, amino acid conservation, physicochemical variation, residue mobility, and thermodynamic stability) performed at Invitae indicates that this missense variant is not expected to disrupt PRPS1 protein function. This variant has not been reported in the literature in individuals affected with PRPS1-related conditions. This variant is not present in population databases (gnomAD no frequency). This sequence change replaces valine, which is neutral and non-polar, with isoleucine, which is neutral and non-polar, at codon 309 of the PRPS1 protein (p.Val309Ile). In summary, the available evidence is currently insufficient to determine the role of this variant in disease. Therefore, it has been classified as a Variant of Uncertain Significance.